The following is an entry in ClinVar:

NM_001244008.2(KIF1A):c.1622G>T (p.Ser541Ile)

Gene: KIF1A (kinesin family member 1A; minus strand). Cytogenetic location: 2q37.3.
Variant type: single nucleotide variant.
Coding change: c.1622G>T on transcript NM_001244008.2 (MANE Select); coding-DNA position 1622, G replaced by T.
Protein change: p.Ser541Ile; replaces serine 541 with isoleucine.
Molecular consequence: missense variant.
Genome position (GRCh38, 1-based): chr2:240,766,977, C>A on the plus strand (G>T on the coding strand, the complement: KIF1A is on the minus strand). VCF-style: chr2-240766977-C-A. GRCh37 (hg19) VCF-style: chr2-241706394-C-A.
Other names: c.1622G>T, p.Ser541Ile (NM_001320705.2, NM_001330289.2, NM_001379638.1); c.1697G>T, p.Ser566Ile (NM_001330290.2, NM_001379631.1, NM_001379634.1 and 2 more transcripts); c.1595G>T, p.Ser532Ile (NM_001379632.1, NM_001379633.1, NM_001379636.1 and 10 more transcripts); c.1670G>T, p.Ser557Ile (NM_001379637.1, NM_001379648.1); short protein forms S541I, S557I, S566I, S532I.
Identifiers: ClinVar variation 960221 (VCV000960221.10), dbSNP rs2051286208, ClinGen allele CA351328185.
Genomic context (GRCh38, chr2:240,766,977, plus strand): 5'-TCGCTGCCTCCCCTGGAGTCGCTCCGGAAGACGCAGTGCTCCTCCTTGATGAAGTGCCCA[C>A]TCAGAACAATGTCCTGCCGCCTCTCGCCATCCTCCCTGCCCACTCTGCGGGGTGGGGGCA-3'
Protein context (NP_001230937.1, residues 531-551): DGERRQDIVL[Ser541Ile]GHFIKEEHCV

ClinVar aggregate classification (germline): Uncertain significance (1 of 4 stars; one submission).

Conditions:
Neuropathy, hereditary sensory, type 2C. Also called: Hereditary sensory and autonomic neuropathy type IIC; KIF1A-Related HSAN2 (HSAN2C). Identifiers: Orphanet 970, MedGen C3280168, MONDO:0013634, OMIM 614213.
Intellectual disability, autosomal dominant 9 (NESCAVS). Also called: KIF1A-Related Neurodevelopmental Disorder; NESCAV SYNDROME. Identifiers: Orphanet 662367, MedGen C5393830, MONDO:0013656, OMIM 614255.
Hereditary spastic paraplegia 30. Identifiers: Orphanet 101010, MedGen C5235139, MONDO:0012476.

Allele frequency attached by ClinVar (database versions not stated): gnomAD exomes below 0.00001.
gnomAD v4.1: 1 of 1,612,488 alleles (0.000062%); highest among the groups gnomAD compares: Non-Finnish European, 0.000085%; no homozygotes.

Submission:

Labcorp Genetics (formerly Invitae), Labcorp
Classification: Uncertain significance for Hereditary spastic paraplegia 30; Neuropathy, hereditary sensory, type 2C; Intellectual disability, autosomal dominant 9. Last evaluated: 2019-09-07. Review status: criteria provided, single submitter. Criteria: Invitae Variant Classification Sherloc (09022015). Collection method: clinical testing. Allele origin: germline.
Comment: This variant is not present in population databases (ExAC no frequency). In summary, the available evidence is currently insufficient to determine the role of this variant in disease. Therefore, it has been classified as a Variant of Uncertain Significance. Algorithms developed to predict the effect of missense changes on protein structure and function are either unavailable or do not agree on the potential impact of this missense change (SIFT: "Deleterious"; PolyPhen-2: "Benign"; Align-GVGD: "Class C15"). This variant has not been reported in the literature in individuals with KIF1A-related conditions. This sequence change replaces serine with isoleucine at codon 532 of the KIF1A protein (p.Ser532Ile). The serine residue is highly conserved and there is a large physicochemical difference between serine and isoleucine.